The following is an entry in ClinVar:

ClinVar aggregate classification (germline): Conflicting classifications of pathogenicity. Review status: criteria provided, conflicting classifications (1 of 4 stars). 2 submissions from 2 submitters: Uncertain significance (1); Likely benign (1). Last evaluated 2024-03-26.

Conditions:
Koolen-de Vries syndrome (KDVS). Identifiers: Orphanet 96169, MedGen C1864871, MONDO:0012496, OMIM 610443.

Allele frequency attached by ClinVar (database versions not stated): gnomAD 0.00001; TOPMed 0.00001; ExAC 0.00002; ESP Exome Variant Server 0.00008.
gnomAD v4.1: 24 of 1,603,704 alleles (0.0015%); highest among the groups gnomAD compares: Non-Finnish European, 0.0018%; no homozygotes.

Submissions (2):

Fulgent Genetics
Classification: Uncertain significance for Koolen-de Vries syndrome. Last evaluated: 2024-03-26. Review status: criteria provided, single submitter. Criteria: ACMG Guidelines, 2015. Collection method: clinical testing. Allele origin: germline.

GeneDx
Classification: Likely benign. Last evaluated: 2014-02-24. Review status: criteria provided, single submitter. Criteria: GeneDx Variant Classification (06012015). Collection method: clinical testing. Allele origin: germline. Affected: yes.
Comment: This variant is considered likely benign or benign based on one or more of the following criteria: it is a conservative change, it occurs at a poorly conserved position in the protein, it is predicted to be benign by multiple in silico algorithms, and/or has population frequency not consistent with disease.

NM_015443.4(KANSL1):c.8C>T (p.Ala3Val)

Gene: KANSL1 (KAT8 regulatory NSL complex subunit 1). Cytogenetic location: 17q21.31.
Variant type: single nucleotide variant.
Coding change: c.8C>T on transcript NM_015443.4 (MANE Select); coding-DNA position 8, C replaced by T.
Protein change: p.Ala3Val; replaces alanine 3 with valine.
Molecular consequence: missense variant.
Genome position (GRCh38, 1-based): chr17:46,172,136, G>A on the plus strand (C>T on the coding strand, the complement: KANSL1 is on the minus strand). VCF-style: chr17-46172136-G-A. GRCh37 (hg19) VCF-style: chr17-44249502-G-A.
Other names: p.A3V:GCG>GTG; c.8C>T, p.Ala3Val (NM_001193465.2, NM_001193466.2, NM_001379198.1); short protein forms A3V.
Identifiers: ClinVar variation 205759 (VCV000205759.2), dbSNP rs376233244, ClinGen allele CA315144.
Genomic context (GRCh38, chr17:46,172,136, plus strand): 5'-GCCAGTTTGAACCGGATATGGTGTGCTTCAGCTGCTGCGTCAGTGAGAGCGGGCGCCATC[G>A]CAGCCATTCAGCACAGAGAGACAGGAAGTCCAGCCTCTCCCGATGCCGAGGCCGAGGCCA-3'
Protein context (NP_056258.1, residues 1-13): MA[Ala3Val]MAPALTDAAA